The following is an entry in ClinVar:

NM_004525.3(LRP2):c.12464A>G (p.His4155Arg)

Gene: LRP2 (LDL receptor related protein 2; minus strand). Cytogenetic location: 2q31.1.
Variant type: single nucleotide variant.
Coding change: c.12464A>G on transcript NM_004525.3 (MANE Select); coding-DNA position 12464, A replaced by G.
Protein change: p.His4155Arg; replaces histidine 4155 with arginine.
Molecular consequence: missense variant.
Genome position (GRCh38, 1-based): chr2:169,151,024, T>C on the plus strand (A>G on the coding strand, the complement: LRP2 is on the minus strand). VCF-style: chr2-169151024-T-C. GRCh37 (hg19) VCF-style: chr2-170007534-T-C.
Other names: short protein forms H4155R.
Identifiers: ClinVar variation 1426705 (VCV001426705.5), dbSNP rs2105354083, ClinGen allele CA349134430.

ClinVar aggregate classification (germline): Uncertain significance (1 of 4 stars; one submission).

Submission:

Labcorp Genetics (formerly Invitae), Labcorp
Classification: Uncertain significance. Last evaluated: 2021-08-14. Review status: criteria provided, single submitter. Criteria: Invitae Variant Classification Sherloc (09022015). Collection method: clinical testing. Allele origin: germline.
Comment: This sequence change replaces histidine with arginine at codon 4155 of the LRP2 protein (p.His4155Arg). The histidine residue is highly conserved and there is a small physicochemical difference between histidine and arginine. This variant is not present in population databases (ExAC no frequency). This variant has not been reported in the literature in individuals affected with LRP2-related conditions. Algorithms developed to predict the effect of missense changes on protein structure and function are either unavailable or do not agree on the potential impact of this missense change (SIFT: "Deleterious"; PolyPhen-2: "Probably Damaging"; Align-GVGD: "Class C0"). In summary, the available evidence is currently insufficient to determine the role of this variant in disease. Therefore, it has been classified as a Variant of Uncertain Significance.